The following is an entry in ClinVar:

ClinVar aggregate classification (germline): Uncertain significance (1 of 4 stars; one submission).

Conditions:
Epidermolysis bullosa simplex, Ogna type (EBS5A). Also called: Pidermolysis bullosa simplex 5A, Ogna type; EPIDERMOLYSIS BULLOSA SIMPLEX 5A, OGNA TYPE. Identifiers: Orphanet 79401, MedGen C0432317, MONDO:0007555, OMIM 131950.
Epidermolysis bullosa simplex 5C, with pyloric atresia (EBS5C). Also called: Epidermolysis bullosa simplex with pyloric atresia; PLEC-Related Epidermolysis Bullosa with Pyloric Atresia; PLEC1-Related Epidermolysis Bullosa with Pyloric Atresia. Identifiers: Orphanet 158684, MedGen C2677349, MONDO:0012807, OMIM 612138.
Epidermolysis bullosa simplex with nail dystrophy (EBS5D). Identifiers: MedGen C4225309, MONDO:0014661, OMIM 616487.
Epidermolysis bullosa simplex 5B, with muscular dystrophy (EBS5B). Also called: EPIDERMOLYSIS BULLOSA SIMPLEX AND LIMB-GIRDLE MUSCULAR DYSTROPHY; Epidermolysis bullosa simplex with muscular dystrophy. Identifiers: Orphanet 257, MedGen C2931072, MONDO:0009181, OMIM 226670.
Autosomal recessive limb-girdle muscular dystrophy type 2Q (LGMDR17). Also called: MUSCULAR DYSTROPHY, LIMB-GIRDLE, AUTOSOMAL RECESSIVE 17. Identifiers: Orphanet 254361, MedGen C3150989, MONDO:0013390, OMIM 613723.

Allele frequency attached by ClinVar (database versions not stated): TOPMed 0.00004; ExAC 0.00007.
gnomAD v4.1: 37 of 1,588,972 alleles (0.0023%); highest among the groups gnomAD compares: Middle Eastern, 0.017%; no homozygotes.

Submission:

Labcorp Genetics (formerly Invitae), Labcorp
Classification: Uncertain significance for Autosomal recessive limb-girdle muscular dystrophy type 2Q; Epidermolysis bullosa simplex, Ogna type; Epidermolysis bullosa simplex with nail dystrophy; Epidermolysis bullosa simplex 5C, with pyloric atresia; Epidermolysis bullosa simplex 5B, with muscular dystrophy. Last evaluated: 2026-01-06. Review status: criteria provided, single submitter. Criteria: Invitae Variant Classification Sherloc (09022015). Collection method: clinical testing. Allele origin: germline.
Comment: This sequence change replaces arginine, which is basic and polar, with glutamine, which is neutral and polar, at codon 2054 of the PLEC protein (p.Arg2054Gln). This variant is present in population databases (rs782194846, gnomAD 0.007%). This variant has not been reported in the literature in individuals affected with PLEC-related conditions. ClinVar contains an entry for this variant (Variation ID: 652790). An algorithm developed to predict the effect of missense changes on protein structure and function (PolyPhen-2) suggests that this variant is likely to be tolerated. In summary, the available evidence is currently insufficient to determine the role of this variant in disease. Therefore, it has been classified as a Variant of Uncertain Significance.

NM_201384.3(PLEC):c.6080G>A (p.Arg2027Gln)

Gene: PLEC (plectin; minus strand). Cytogenetic location: 8q24.3.
Variant type: single nucleotide variant.
Coding change: c.6080G>A on transcript NM_201384.3 (MANE Select); coding-DNA position 6080, G replaced by A.
Protein change: p.Arg2027Gln; replaces arginine 2027 with glutamine.
Molecular consequence: missense variant.
Genome position (GRCh38, 1-based): chr8:143,923,849, C>T on the plus strand (G>A on the coding strand, the complement: PLEC is on the minus strand). VCF-style: chr8-143923849-C-T. GRCh37 (hg19) VCF-style: chr8-144998017-C-T.
Other names: c.6014G>A, p.Arg2005Gln (NM_201379.3); c.6491G>A, p.Arg2164Gln (NM_201380.4); c.5984G>A, p.Arg1995Gln (NM_201381.3); c.6080G>A, p.Arg2027Gln (NM_201382.4); c.6092G>A, p.Arg2031Gln (NM_201383.3); c.6161G>A, p.Arg2054Gln (NM_000445.5); c.6038G>A, p.Arg2013Gln (NM_201378.4); short protein forms R2013Q, R1995Q, R2005Q, R2027Q, R2164Q, R2031Q, R2054Q.
Identifiers: ClinVar variation 652790 (VCV000652790.6), dbSNP rs782194846, ClinGen allele CA4926115.